The following is an entry in ClinVar:

ClinVar aggregate classification (germline): Uncertain significance (1 of 4 stars; one submission).

Submission:

GeneDx
Classification: Uncertain significance. Last evaluated: 2022-03-08. Review status: criteria provided, single submitter. Criteria: GeneDx Variant Classification Process June 2021. Collection method: clinical testing. Allele origin: germline. Affected: yes.
Comment: Has not been previously published as pathogenic or benign to our knowledge; Not observed at significant frequency in large population cohorts (gnomAD); In silico analysis supports that this missense variant has a deleterious effect on protein structure/function

NM_022552.5(DNMT3A):c.2327A>C (p.Asn776Thr)

Gene: DNMT3A (DNA methyltransferase 3 alpha; minus strand). Cytogenetic location: 2p23.3.
Variant type: single nucleotide variant.
Coding change: c.2327A>C on transcript NM_022552.5 (MANE Select); coding-DNA position 2327, A replaced by C.
Protein change: p.Asn776Thr; replaces asparagine 776 with threonine.
Molecular consequence: missense variant. On other transcripts: non-coding transcript variant (1).
Genome position (GRCh38, 1-based): chr2:25,239,211, T>G on the plus strand (A>C on the coding strand, the complement: DNMT3A is on the minus strand). VCF-style: chr2-25239211-T-G. GRCh37 (hg19) VCF-style: chr2-25462080-T-G.
Other names: c.1871A>C, p.Asn624Thr (NM_001320893.1); c.1658A>C, p.Asn553Thr (NM_001375819.1); c.1760A>C, p.Asn587Thr (NM_153759.3); c.2327A>C, p.Asn776Thr (NM_175629.2); short protein forms N553T, N587T, N624T, N776T.
Identifiers: ClinVar variation 1704681 (VCV001704681.2), dbSNP rs2465366240, ClinGen allele CA346069586.